The following is an entry in ClinVar:

NM_000059.4(BRCA2):c.1333del (p.Ser445fs)

Gene: BRCA2 (BRCA2 DNA repair associated; plus strand). Cytogenetic location: 13q13.1.
Variant type: Deletion.
Coding change: c.1333del on transcript NM_000059.4 (MANE Select); coding-DNA position 1333, one base deleted (T; older notation c.1333delT).
Protein change: p.Ser445fs; shifts the reading frame from serine 445.
Molecular consequence: frameshift variant. On other transcripts: non-coding transcript variant (1), intron variant (1).
Genome position (GRCh38, 1-based): chr13:32,332,811, T deleted; the last of 2 consecutive T bases (chr13:32,332,810-32,332,811); deleting either gives the same sequence. VCF-style (leftmost placement, unchanged base first): chr13-32332809-AT-A. GRCh37 (hg19) VCF-style: chr13-32906946-AT-A.
Other names: c.1333del, p.Ser445fs (NM_001406719.1, NM_001406720.1, NM_001406721.1); c.424+1781del (NM_001406722.1); short protein forms S445fs.
Identifiers: ClinVar variation 2673930 (VCV002673930.1), dbSNP rs1555281841, ClinGen allele CA2695199248.
Genomic context (GRCh38, chr13:32,332,809, plus strand): 5'-CAGAAAAAGACCTATTAGACACAGAGAACAAAAGAAAGAAAGATTTTCTTACTTCAGAGA[AT>A]TCTTTGCCACGTATTTCTAGCCTACCAAAATCAGAGAAGCCATTAAATGAGGAAACAGTG-3'

ClinVar aggregate classification (germline): Pathogenic (1 of 4 stars; one submission).

Conditions:
Breast-ovarian cancer, familial, susceptibility to, 2 (BROVCA2). Also called: BRCA2 Hereditary Breast and Ovarian Cancer. Identifiers: Orphanet 145, MedGen C2675520, MONDO:0012933, OMIM 612555. Disease mechanism: loss of function.

Submission:

Myriad Genetics, Inc.
Classification: Pathogenic for Breast-ovarian cancer, familial, susceptibility to, 2. Last evaluated: 2023-10-19. Review status: criteria provided, single submitter. Criteria: Myriad Autosomal Dominant, Autosomal Recessive and X-Linked Classification Criteria (2023). Collection method: clinical testing. Allele origin: unknown.
Comment: This variant is considered pathogenic. This variant creates a frameshift predicted to result in premature protein truncation.